The following is an entry in ClinVar:

NM_001289808.2(CRYAB):c.324+4T>G

Gene: CRYAB (crystallin alpha B; minus strand). Cytogenetic location: 11q23.1.
Variant type: single nucleotide variant.
Coding change: c.324+4T>G on transcript NM_001289808.2 (MANE Select); 4 bases into the intron after coding-DNA position 324, T replaced by G.
Molecular consequence: intron variant.
Genome position (GRCh38, 1-based): chr11:111,910,323, A>C on the plus strand (T>G on the coding strand, the complement: CRYAB is on the minus strand). VCF-style: chr11-111910323-A-C. GRCh37 (hg19) VCF-style: chr11-111781047-A-C.
Other names: p.?; c.324+4T>G (NM_001368245.1, NM_001885.3, NM_001289807.1 and 1 more transcripts); c.123+4T>G (NM_001368246.1, NM_001330379.1).
Identifiers: ClinVar variation 44234 (VCV000044234.34), dbSNP rs11603779, ClinGen allele CA282354.

ClinVar aggregate classification (germline): Benign. Review status: criteria provided, multiple submitters, no conflicts (2 of 4 stars). 18 submissions from 15 submitters: Benign (14). 4 of the submissions do not count toward it. Last evaluated 2026-02-04.

Conditions:
Cardiovascular phenotype. Identifiers: MedGen CN230736.
Dilated cardiomyopathy 1II (CMD1II). Identifiers: Orphanet 154, MedGen C3554649, MONDO:0014073, OMIM 615184.
Fatal infantile hypertonic myofibrillar myopathy (MFM2B). Also called: MYOPATHY, MYOFIBRILLAR, 2B, INFANTILE-ONSET; MFM, FATAL INFANTILE HYPERTONIC, ALPHA-B CRYSTALLIN-RELATED. Identifiers: Orphanet 280553, MedGen C5190691, MONDO:0013472, OMIM 613869.
Cataract 16 multiple types. Also called: CATARACT 16, POSTERIOR POLAR; CATARACT 16, CONGENITAL LAMELLAR; CATARACT, CONGENITAL LAMELLAR. Identifiers: Orphanet 91492, Orphanet 98992, Orphanet 98993, Orphanet 98995, MedGen C3808377, MONDO:0013411, OMIM 613763.
Myofibrillar myopathy 2. Also called: MYOPATHY, MYOFIBRILLAR, 2A, ADULT-ONSET; MYOPATHY, MYOFIBRILLAR, WITH OR WITHOUT CATARACT AND/OR CARDIOMYOPATHY; MYOPATHY, DESMIN-RELATED, ASSOCIATED WITH MUTATION IN THE CRYAB GENE; MYOPATHY, MYOFIBRILLAR, ALPHA-B CRYSTALLIN-RELATED. Identifiers: Orphanet 280553, Orphanet 399058, MedGen C1837317, MONDO:0012130.

Allele frequency attached by ClinVar (database versions not stated): 1000 Genomes Project 30x 0.24047; gnomAD 0.26871; TOPMed 0.27109; ESP Exome Variant Server 0.27239; 1000 Genomes Project 0.23982.
gnomAD v4.1: 453,531 of 1,613,724 alleles (28%); highest among the groups gnomAD compares: Middle Eastern, 32%; 64,777 homozygotes.

Submissions (18):

Labcorp Genetics (formerly Invitae), Labcorp
Classification: Benign for Dilated cardiomyopathy 1II. Last evaluated: 2026-02-04. Review status: criteria provided, single submitter. Criteria: Invitae Variant Classification Sherloc (09022015). Collection method: clinical testing. Allele origin: germline.

Women's Health and Genetics/Laboratory Corporation of America, LabCorp
Classification: Benign. Last evaluated: 2023-04-04. Review status: criteria provided, single submitter. Criteria: LabCorp Variant Classification Summary - May 2015. Collection method: clinical testing. Allele origin: germline.

Genome-Nilou Lab
Classification: Benign for Cataract 16 multiple types. Last evaluated: 2021-07-30. Review status: criteria provided, single submitter. Criteria: ACMG Guidelines, 2015. Collection method: clinical testing. Allele origin: germline. Affected: no.

Genome-Nilou Lab
Classification: Benign. Last evaluated: 2021-07-30. Review status: criteria provided, single submitter. Criteria: ACMG Guidelines, 2015. Collection method: clinical testing. Allele origin: germline. Affected: no.

Genome-Nilou Lab
Classification: Benign for Fatal infantile hypertonic myofibrillar myopathy. Last evaluated: 2021-07-30. Review status: criteria provided, single submitter. Criteria: ACMG Guidelines, 2015. Collection method: clinical testing. Allele origin: germline. Affected: no.

Illumina Laboratory Services, Illumina
Classification: Benign for Fatal infantile hypertonic myofibrillar myopathy. Last evaluated: 2018-01-13. Review status: criteria provided, single submitter. Criteria: ICSL Variant Classification Criteria 13 December 2019. Collection method: clinical testing. Allele origin: germline.
Comment: This variant was observed in the ICSL laboratory as part of a predisposition screen in an ostensibly healthy population. It had not been previously curated by ICSL or reported in the Human Gene Mutation Database (HGMD: prior to June 1st, 2018), and was therefore a candidate for classification through an automated scoring system. Utilizing variant allele frequency, disease prevalence and penetrance estimates, and inheritance mode, an automated score was calculated to assess if this variant is too frequent to cause the disease. Based on the score and internal cut-off values, a variant classified as benign is not then subjected to further curation. The score for this variant resulted in a classification of benign for this disease.

Illumina Laboratory Services, Illumina
Classification: Benign for Cataract 16 multiple types. Last evaluated: 2018-01-13. Review status: criteria provided, single submitter. Criteria: ICSL Variant Classification Criteria 13 December 2019. Collection method: clinical testing. Allele origin: germline.
Comment: the same text as in the submission from Illumina Laboratory Services, Illumina above.

Mayo Clinic Laboratories, Mayo Clinic
Classification: Benign. Last evaluated: 2017-10-02. Review status: criteria provided, single submitter. Criteria: ACMG Guidelines, 2015. Collection method: clinical testing. Allele origin: germline. Observed: 977 variant alleles.

Athena Diagnostics
Classification: Benign. Last evaluated: 2017-07-21. Review status: criteria provided, single submitter. Criteria: Athena Diagnostics Criteria. Collection method: clinical testing. Allele origin: germline.

Ambry Genetics
Classification: Benign for Cardiovascular phenotype. Last evaluated: 2015-03-11. Review status: criteria provided, single submitter. Criteria: Ambry Variant Classification Scheme 2023. Collection method: clinical testing. Allele origin: germline.

GeneDx
Classification: Benign. Last evaluated: 2013-12-27. Review status: criteria provided, single submitter. Criteria: GeneDx Variant Classification (06012015). Collection method: clinical testing. Allele origin: germline. Affected: yes.
Comment: This variant is considered likely benign or benign based on one or more of the following criteria: it is a conservative change, it occurs at a poorly conserved position in the protein, it is predicted to be benign by multiple in silico algorithms, and/or has population frequency not consistent with disease.

Laboratory for Molecular Medicine, Mass General Brigham Personalized Medicine
Classification: Benign. Last evaluated: 2012-04-10. Review status: criteria provided, single submitter. Criteria: LMM Criteria. Collection method: clinical testing. Allele origin: germline. Observed: 888 variant alleles.

Breakthrough Genomics
Classification: Benign. Review status: criteria provided, single submitter. Criteria: ACMG Guidelines, 2015. Collection method: not provided. Allele origin: germline. Inheritance: Autosomal recessive inheritance. Affected: yes.

PreventionGenetics, part of Exact Sciences
Classification: Benign. Review status: criteria provided, single submitter. Criteria: ACMG Guidelines, 2015. Collection method: clinical testing. Allele origin: germline.

Clinical Genetics DNA and cytogenetics Diagnostics Lab, Erasmus MC, Erasmus Medical Center
Classification: Benign. Review status: no assertion criteria provided. Collection method: clinical testing. Allele origin: germline. Affected: yes. Study: VKGL Data-share Consensus. Not counted in ClinVar's aggregate classification.

Clinical Genetics, Academic Medical Center
Classification: Benign. Review status: no assertion criteria provided. Collection method: clinical testing. Allele origin: germline. Affected: yes. Study: VKGL Data-share Consensus. Not counted in ClinVar's aggregate classification.

Diagnostic Laboratory, Department of Genetics, University Medical Center Groningen
Classification: Benign. Review status: no assertion criteria provided. Collection method: clinical testing. Allele origin: germline. Affected: yes. Study: VKGL Data-share Consensus. Not counted in ClinVar's aggregate classification.

Genome Diagnostics Laboratory, University Medical Center Utrecht
Classification: Benign. Review status: no assertion criteria provided. Collection method: clinical testing. Allele origin: germline. Affected: yes. Study: VKGL Data-share Consensus. Not counted in ClinVar's aggregate classification.